The following is an entry in ClinVar:

ClinVar aggregate classification (germline): Likely pathogenic (1 of 4 stars; one submission).

Conditions:
Ataxia-telangiectasia-like disorder (ATLD). Identifiers: MedGen C1858391, MONDO:0011457.

Submission:

Labcorp Genetics (formerly Invitae), Labcorp
Classification: Likely pathogenic for Ataxia-telangiectasia-like disorder. Last evaluated: 2023-08-11. Review status: criteria provided, single submitter. Criteria: Invitae Variant Classification Sherloc (09022015). Collection method: clinical testing. Allele origin: unknown.
Comment: This variant results in a copy number gain of the genomic region encompassing exon(s) 8-10 of the MRE11 gene. While the exact position of this variant cannot be determined from the data, sub-genic copy number gains are generally in tandem (PMID: 25640679). This variant is predicted to be out-of-frame, and may result in an absent or disrupted protein product. Loss-of-function variants in MRE11 are known to be pathogenic (PMID: 23080121, 23912341). This variant has not been reported in the literature in individuals affected with MRE11-related conditions. In summary, the currently available evidence indicates that the variant is pathogenic, but additional data are needed to prove that conclusively. Therefore, this variant has been classified as Likely Pathogenic.

Literature cited by the submitters: PubMed 25640679; PubMed 23080121; PubMed 23912341.

NC_000011.9:g.(?_94200959)_(94204945_?)dup

Gene: MRE11 (MRE11 homolog, double strand break repair nuclease; minus strand). Cytogenetic location: 11q21.
Variant type: Duplication.
Identifiers: ClinVar variation 3244643 (VCV003244643.1).